The following is an entry in ClinVar:

ClinVar aggregate classification (germline): Uncertain significance (1 of 4 stars; one submission).

Submission:

GeneDx
Classification: Uncertain significance. Last evaluated: 2023-11-14. Review status: criteria provided, single submitter. Criteria: GeneDx Variant Classification Process June 2021. Collection method: clinical testing. Allele origin: germline. Affected: yes.
Comment: Not observed at significant frequency in large population cohorts (gnomAD); In silico analysis supports that this missense variant does not alter protein structure/function; Has not been previously published as pathogenic or benign to our knowledge

NM_001291415.2(KDM6A):c.4358C>A (p.Ser1453Tyr)

Gene: KDM6A (lysine demethylase 6A; plus strand). Cytogenetic location: Xp11.3.
Variant type: single nucleotide variant.
Coding change: c.4358C>A on transcript NM_001291415.2 (MANE Select); coding-DNA position 4358, C replaced by A.
Protein change: p.Ser1453Tyr; replaces serine 1453 with tyrosine.
Molecular consequence: missense variant. On other transcripts: non-coding transcript variant (1).
Genome position (GRCh38, 1-based): chrX:45,111,407, C>A. VCF-style: chrX-45111407-C-A. GRCh37 (hg19) VCF-style: chrX-44970652-C-A.
Other names: c.4223C>A, p.Ser1408Tyr (NM_001291416.2); c.4067C>A, p.Ser1356Tyr (NM_001291417.2); c.3965C>A, p.Ser1322Tyr (NM_001291418.2); c.3314C>A, p.Ser1105Tyr (NM_001291421.2); c.4100C>A, p.Ser1367Tyr (NM_001410742.1); c.4466C>A, p.Ser1489Tyr (NM_001419809.1); c.4364C>A, p.Ser1455Tyr (NM_001419810.1); c.4331C>A, p.Ser1444Tyr (NM_001419811.1); and 5 more; short protein forms S1105Y, S1322Y, S1356Y, S1358Y, S1367Y, S1401Y, S1403Y, S1408Y.
Identifiers: ClinVar variation 3253194 (VCV003253194.1), dbSNP rs2523593766.